The following is an entry in ClinVar:

ClinVar aggregate classification (germline): Uncertain significance (1 of 4 stars; one submission).

Allele frequency attached by ClinVar (database versions not stated): gnomAD 0.00001; gnomAD exomes 0.00002 and 0.00004; TOPMed 0.00002; ExAC 0.00002.
gnomAD v4.1: 11 of 1,614,062 alleles (0.00068%); highest among the groups gnomAD compares: Admixed American, 0.018%; no homozygotes.

Submission:

Labcorp Genetics (formerly Invitae), Labcorp
Classification: Uncertain significance. Last evaluated: 2025-09-02. Review status: criteria provided, single submitter. Criteria: Invitae Variant Classification Sherloc (09022015). Collection method: clinical testing. Allele origin: germline.
Comment: This sequence change replaces serine, which is neutral and polar, with asparagine, which is neutral and polar, at codon 353 of the SLC45A2 protein (p.Ser353Asn). This variant is present in population databases (rs761873791, gnomAD 0.02%). This variant has not been reported in the literature in individuals affected with SLC45A2-related conditions. ClinVar contains an entry for this variant (Variation ID: 1486002). Invitae Evidence Modeling of protein sequence and biophysical properties (such as structural, functional, and spatial information, amino acid conservation, physicochemical variation, residue mobility, and thermodynamic stability) indicates that this missense variant is not expected to disrupt SLC45A2 protein function with a negative predictive value of 80%. In summary, the available evidence is currently insufficient to determine the role of this variant in disease. Therefore, it has been classified as a Variant of Uncertain Significance.

NM_016180.5(SLC45A2):c.1058G>A (p.Ser353Asn)

Gene: SLC45A2 (solute carrier family 45 member 2; minus strand). Cytogenetic location: 5p13.2.
Variant type: single nucleotide variant.
Coding change: c.1058G>A on transcript NM_016180.5 (MANE Select); coding-DNA position 1058, G replaced by A.
Protein change: p.Ser353Asn; replaces serine 353 with asparagine.
Molecular consequence: missense variant. On other transcripts: synonymous variant (1).
Genome position (GRCh38, 1-based): chr5:33,951,652, C>T on the plus strand (G>A on the coding strand, the complement: SLC45A2 is on the minus strand). VCF-style: chr5-33951652-C-T. GRCh37 (hg19) VCF-style: chr5-33951757-C-T.
Other names: c.1058G>A, p.Ser353Asn (NM_001012509.4); c.732G>A, p.Ter244= (NM_001297417.4); short protein forms S353N.
Identifiers: ClinVar variation 1486002 (VCV001486002.5), dbSNP rs761873791, ClinGen allele CA3225592.